The following is an entry in ClinVar:

ClinVar aggregate classification (germline): Pathogenic/Likely pathogenic. Review status: criteria provided, multiple submitters, no conflicts (2 of 4 stars). 3 submissions from 3 submitters: Pathogenic (2); Likely pathogenic (1). Last evaluated 2025-05-25.

Conditions:
Marfan Syndrome/Loeys-Dietz Syndrome/Familial Thoracic Aortic Aneurysms and Dissections. Identifiers: MedGen CN229799.
Marfan syndrome (MFS). Also called: MARFAN SYNDROME, TYPE I; FBN1-Related Marfan Syndrome; Marfan syndrome type 1; Marfan's syndrome; Marfan syndrome, classic. Identifiers: Orphanet 284963, Orphanet 558, MedGen C0024796, MONDO:0007947, OMIM 154700.
Familial thoracic aortic aneurysm and aortic dissection (TAAD). Also called: Thoracic aortic aneurysms and dissections. Identifiers: Orphanet 91387, MedGen C4707243, MONDO:0019625.

Submissions (3):

Labcorp Genetics (formerly Invitae), Labcorp
Classification: Pathogenic for Marfan syndrome; Familial thoracic aortic aneurysm and aortic dissection. Last evaluated: 2025-05-25. Review status: criteria provided, single submitter. Criteria: Invitae Variant Classification Sherloc (09022015). Collection method: clinical testing. Allele origin: germline.
Comment: This sequence change replaces cysteine, which is neutral and slightly polar, with glycine, which is neutral and non-polar, at codon 1672 of the FBN1 protein (p.Cys1672Gly). This variant is not present in population databases (gnomAD no frequency). This variant has not been reported in the literature in individuals affected with FBN1-related conditions. ClinVar contains an entry for this variant (Variation ID: 495617). Invitae Evidence Modeling of protein sequence and biophysical properties (such as structural, functional, and spatial information, amino acid conservation, physicochemical variation, residue mobility, and thermodynamic stability) indicates that this missense variant is expected to disrupt FBN1 protein function with a positive predictive value of 95%. This variant affects a cysteine residue in the EGF-like, TGFBP or hybrid motif domains of FBN1. Cysteine residues are believed to be involved in intramolecular disulfide bridges and have been shown to be important for FBN1 protein structure (PMID: 16905551, 19349279). In addition, missense substitutions affecting cysteine residues within these domains are significantly overrepresented among patients with Marfan syndrome (PMID: 16571647, 17701892). This variant disrupts the p.Cys1672 amino acid residue in FBN1. Other variant(s) that disrupt this residue have been observed in individuals with FBN1-related conditions (PMID: 10486319, 18435798), which suggests that this may be a clinically significant amino acid residue. For these reasons, this variant has been classified as Pathogenic.

GeneDx
Classification: Pathogenic. Last evaluated: 2024-12-05. Review status: criteria provided, single submitter. Criteria: GeneDx Variant Classification Process June 2021. Collection method: clinical testing. Allele origin: germline. Affected: yes.
Comment: Has not been previously published as pathogenic or benign to our knowledge; Not observed at significant frequency in large population cohorts (gnomAD); In silico analysis supports that this missense variant has a deleterious effect on protein structure/function; Affects a cysteine residue within a calcium-binding EGF-like domain of the FBN1 gene, which may affect disulfide bonding and is predicted to alter the structure and function of the protein; cysteine substitutions in the calcium-binding EGF-like domains represent the majority of pathogenic missense changes associated with FBN1-related disorders (PMID: 12938084); This variant is associated with the following publications: (PMID: 12938084)

Women's Health and Genetics/Laboratory Corporation of America, LabCorp
Classification: Likely pathogenic for Marfan Syndrome/Loeys-Dietz Syndrome/Familial Thoracic Aortic Aneurysms and Dissections. Last evaluated: 2016-02-11. Review status: criteria provided, single submitter. Criteria: LabCorp Variant Classification Summary - May 2015. Collection method: clinical testing. Allele origin: germline.
Comment: Variant summary: The c.5014T>G (p.Cys1672Gly) in FBN1 gene is a missense variant that alters a conserved nucleotide and 5/5 in silico tools predict deleterious outcome. This variant lies within highly conserved EGF-like motif #24; the alteration at cysteine residue within any EGF-like domains in FBN1 would disrupt disulfide bonds and will impair protein structure and function. The variant is absent from the broad control population dataset of ExAC. The variant has been identified and proven to segregate with the disease phenotype in 1 family referred for genetic testing (internal LCA data). Lastly, codon Cys1672 appears to be a mutational hot-spot; variants leading to the alteration of the same codon, such as p.Cys1672Arg, p.Cys1672Tyr, p.Cys1672Ser, p.Cys1672Phe have been reported in multiple affected individuals presented with a Classical MFS. However, the variant of interest has not, to our knowledge, been reported in the literature or reputable databases/diagnostic centers. Taking together, the variant was classified as Likely Pathogenic.

Literature cited by the submitters: PubMed 16905551 (cited by Labcorp Genetics (formerly Invitae), Labcorp); PubMed 19349279 (cited by Labcorp Genetics (formerly Invitae), Labcorp); PubMed 16571647 (cited by Labcorp Genetics (formerly Invitae), Labcorp); PubMed 17701892 (cited by Labcorp Genetics (formerly Invitae), Labcorp); PubMed 10486319 (cited by Labcorp Genetics (formerly Invitae), Labcorp); PubMed 18435798 (cited by Labcorp Genetics (formerly Invitae), Labcorp).

NM_000138.5(FBN1):c.5014T>G (p.Cys1672Gly)

Gene: FBN1 (fibrillin 1; minus strand). Cytogenetic location: 15q21.1.
Variant type: single nucleotide variant.
Coding change: c.5014T>G on transcript NM_000138.5 (MANE Select); coding-DNA position 5014, T replaced by G.
Protein change: p.Cys1672Gly; replaces cysteine 1672 with glycine.
Molecular consequence: missense variant.
Genome position (GRCh38, 1-based): chr15:48,463,950, A>C on the plus strand (T>G on the coding strand, the complement: FBN1 is on the minus strand). VCF-style: chr15-48463950-A-C. GRCh37 (hg19) VCF-style: chr15-48756147-A-C.
Other names: short protein forms C1672G.
Identifiers: ClinVar variation 495617 (VCV000495617.11), dbSNP rs112930491, ClinGen allele CA269548272.
Genomic context (GRCh38, chr15:48,463,950, plus strand): 5'-TGGACTTACCCATGCAATTATTTCCCCCATTCACTTGCATGTAGTCTGGAGGACAGATAC[A>C]GGTGTAGTTGCCAACGGTGTTGTAACATGTCCCTGGACCACAGATTCCAGGAGTCTCACA-3'
Protein context (NP_000129.3, residues 1662-1682): TCYNTVGNYT[Cys1672Gly]ICPPDYMQVN